The following is an entry in ClinVar:

ClinVar aggregate classification (germline): Uncertain significance (1 of 4 stars; one submission).

gnomAD v4.1: 5 of 1,614,024 alleles (0.00031%); highest among the groups gnomAD compares: Non-Finnish European, 0.00034%; no homozygotes.

Submission:

Labcorp Genetics (formerly Invitae), Labcorp
Classification: Uncertain significance. Last evaluated: 2023-05-02. Review status: criteria provided, single submitter. Criteria: Invitae Variant Classification Sherloc (09022015). Collection method: clinical testing. Allele origin: germline.
Comment: In summary, the available evidence is currently insufficient to determine the role of this variant in disease. Therefore, it has been classified as a Variant of Uncertain Significance. An algorithm developed to predict the effect of missense changes on protein structure and function (PolyPhen-2) suggests that this variant is likely to be tolerated. This variant has not been reported in the literature in individuals affected with CACNA1D-related conditions. This variant is present in population databases (rs199874790, gnomAD 0.0009%). This sequence change replaces alanine, which is neutral and non-polar, with threonine, which is neutral and polar, at codon 1786 of the CACNA1D protein (p.Ala1786Thr).

NM_001128840.3(CACNA1D):c.5296G>A (p.Ala1766Thr)

Gene: CACNA1D (calcium voltage-gated channel subunit alpha1 D; plus strand). Cytogenetic location: 3p21.1.
Variant type: single nucleotide variant.
Coding change: c.5296G>A on transcript NM_001128840.3 (MANE Select); coding-DNA position 5296, G replaced by A.
Protein change: p.Ala1766Thr; replaces alanine 1766 with threonine.
Molecular consequence: missense variant.
Genome position (GRCh38, 1-based): chr3:53,801,313, G>A. VCF-style: chr3-53801313-G-A. GRCh37 (hg19) VCF-style: chr3-53835340-G-A.
Other names: c.5356G>A, p.Ala1786Thr (NM_000720.4); c.5251G>A, p.Ala1751Thr (NM_001128839.3); short protein forms A1766T, A1751T, A1786T.
Identifiers: ClinVar variation 2801900 (VCV002801900.3), dbSNP rs199874790, ClinGen allele CA2455097.